The following is an entry in ClinVar:

ClinVar aggregate classification (germline): Uncertain significance (1 of 4 stars; one submission).

Conditions:
Cornelia de Lange syndrome 3 (CDLS3). Also called: SMC3-Related Cornelia de Lange Syndrome; CORNELIA DE LANGE SYNDROME 3 WITH OR WITHOUT MIDLINE BRAIN DEFECTS. Identifiers: Orphanet 199, MedGen C1853099, MONDO:0012555, OMIM 610759.

Submission:

Juno Genomics, Hangzhou Juno Genomics, Inc
Classification: Uncertain significance for Cornelia de Lange syndrome 3. Review status: criteria provided, single submitter. Criteria: ACMG Guidelines, 2015. Collection method: clinical testing. Allele origin: germline.
Comment: Absent from controls (or at extremely low frequency if recessive) in Genome Aggregation Database.;Missense variant in a gene that has a low rate of benign missense variation.;Multiple lines of computational evidence support a deleterious effect on the gene or gene product.

NM_005445.4(SMC3):c.3476A>G (p.Asp1159Gly)

Gene: SMC3 (structural maintenance of chromosomes 3; plus strand). Cytogenetic location: 10q25.2.
Variant type: single nucleotide variant.
Coding change: c.3476A>G on transcript NM_005445.4 (MANE Select); coding-DNA position 3476, A replaced by G.
Protein change: p.Asp1159Gly; replaces aspartic acid 1159 with glycine.
Molecular consequence: missense variant.
Genome position (GRCh38, 1-based): chr10:110,603,184, A>G. VCF-style: chr10-110603184-A-G. GRCh37 (hg19) VCF-style: chr10-112362942-A-G.
Other names: short protein forms D1159G.
Identifiers: ClinVar variation 5007532 (VCV005007532.2).